The following is an entry in ClinVar:

NM_004727.3(SLC24A1):c.1488C>T (p.Gly496=)

Gene: SLC24A1 (solute carrier family 24 member 1; plus strand). Cytogenetic location: 15q22.31.
Variant type: single nucleotide variant.
Coding change: c.1488C>T on transcript NM_004727.3 (MANE Select); coding-DNA position 1488, C replaced by T.
Protein change: p.Gly496=; no amino-acid change (glycine 496 retained).
Molecular consequence: synonymous variant.
Genome position (GRCh38, 1-based): chr15:65,625,568, C>T. VCF-style: chr15-65625568-C-T. GRCh37 (hg19) VCF-style: chr15-65917906-C-T.
Other names: c.1488C>T, p.Gly496= (NM_001301031.1, NM_001301032.1, NM_001301033.2).
Identifiers: ClinVar variation 316795 (VCV000316795.15), dbSNP rs35366838, ClinGen allele CA7619921.

ClinVar aggregate classification (germline): Benign. Review status: criteria provided, multiple submitters, no conflicts (2 of 4 stars). 3 submissions from 3 submitters: Benign (3). Last evaluated 2026-01-26.

Conditions:
Congenital stationary night blindness 1D. Also called: Night blindness, congenital stationary (complete), 1D, autosomal recessive. Identifiers: Orphanet 215, MedGen C3151193, MONDO:0013450, OMIM 613830.

Allele frequency attached by ClinVar (database versions not stated): gnomAD exomes 0.00092; gnomAD 0.00886 and 0.00946; 1000 Genomes Project 0.00919; TOPMed 0.00919; 1000 Genomes Project 30x 0.01031.
gnomAD v4.1: 2,722 of 1,611,202 alleles (0.17%); highest among the groups gnomAD compares: African/African-American, 3.1%; 37 homozygotes.

Submissions (5):

Labcorp Genetics (formerly Invitae), Labcorp
Classification: Benign. Last evaluated: 2026-01-26. Review status: criteria provided, single submitter. Criteria: Invitae Variant Classification Sherloc (09022015). Collection method: clinical testing. Allele origin: germline.

Illumina Laboratory Services, Illumina
Classification: Benign for Congenital stationary night blindness 1D. Last evaluated: 2018-01-13. Review status: criteria provided, single submitter. Criteria: ICSL Variant Classification Criteria 13 December 2019. Collection method: clinical testing. Allele origin: germline.
Comment: This variant was observed in the ICSL laboratory as part of a predisposition screen in an ostensibly healthy population. It had not been previously curated by ICSL or reported in the Human Gene Mutation Database (HGMD: prior to June 1st, 2018), and was therefore a candidate for classification through an automated scoring system. Utilizing variant allele frequency, disease prevalence and penetrance estimates, and inheritance mode, an automated score was calculated to assess if this variant is too frequent to cause the disease. Based on the score and internal cut-off values, a variant classified as benign is not then subjected to further curation. The score for this variant resulted in a classification of benign for this disease.

Breakthrough Genomics
Classification: Benign. Review status: criteria provided, single submitter. Criteria: ACMG Guidelines, 2015. Collection method: not provided. Allele origin: germline. Inheritance: Autosomal recessive inheritance. Affected: yes.

Dr. Peter K. Rogan Lab, Western University
No classification provided (evidence only). Condition: Colon adenocarcinoma. Review status: no classification provided. Collection method: in vitro. Allele origin: not applicable. Functional consequence: retained intron. Not counted in ClinVar's aggregate classification.

Dr. Peter K. Rogan Lab, Western University
No classification provided (evidence only). Condition: Sarcoma. Review status: no classification provided. Collection method: in vitro. Allele origin: not applicable. Functional consequence: retained intron. Not counted in ClinVar's aggregate classification.